The following is an entry in ClinVar:

NM_024537.4(CARS2):c.1574C>T (p.Ala525Val)

Gene: CARS2 (cysteinyl-tRNA synthetase 2, mitochondrial; minus strand). Cytogenetic location: 13q34.
Variant type: single nucleotide variant.
Coding change: c.1574C>T on transcript NM_024537.4 (MANE Select); coding-DNA position 1574, C replaced by T.
Protein change: p.Ala525Val; replaces alanine 525 with valine.
Molecular consequence: missense variant. On other transcripts: non-coding transcript variant (2).
Genome position (GRCh38, 1-based): chr13:110,642,364, G>A on the plus strand (C>T on the coding strand, the complement: CARS2 is on the minus strand). VCF-style: chr13-110642364-G-A. GRCh37 (hg19) VCF-style: chr13-111294711-G-A.
Other names: c.788C>T, p.Ala263Val (NM_001352252.2); short protein forms A525V, A263V.
Identifiers: ClinVar variation 542306 (VCV000542306.7), dbSNP rs750963303, ClinGen allele CA7051605.

ClinVar aggregate classification (germline): Uncertain significance (1 of 4 stars; one submission).

Conditions:
Combined oxidative phosphorylation defect type 27. Also called: Combined oxidative phosphorylation deficiency 27. Identifiers: Orphanet 477774, MedGen C5567608, MONDO:0014728, OMIM 616672.

Allele frequency attached by ClinVar (database versions not stated): ExAC below 0.00001; TOPMed 0.00001.
gnomAD v4.1: 5 of 1,556,506 alleles (0.00032%); highest among the groups gnomAD compares: East Asian, 0.0048%; no homozygotes.

Submission:

Labcorp Genetics (formerly Invitae), Labcorp
Classification: Uncertain significance for Combined oxidative phosphorylation defect type 27. Last evaluated: 2021-08-31. Review status: criteria provided, single submitter. Criteria: Invitae Variant Classification Sherloc (09022015). Collection method: clinical testing. Allele origin: germline.
Comment: This sequence change replaces alanine with valine at codon 525 of the CARS2 protein (p.Ala525Val). The alanine residue is highly conserved and there is a small physicochemical difference between alanine and valine. The frequency data for this variant in the population databases is considered unreliable, as metrics indicate poor data quality at this position in the ExAC database. This variant has not been reported in the literature in individuals affected with CARS2-related conditions. Algorithms developed to predict the effect of missense changes on protein structure and function are either unavailable or do not agree on the potential impact of this missense change (SIFT: "Deleterious"; PolyPhen-2: "Benign"; Align-GVGD: "Class C25"). Algorithms developed to predict the effect of sequence changes on RNA splicing suggest that this variant may create or strengthen a splice site. In summary, the available evidence is currently insufficient to determine the role of this variant in disease. Therefore, it has been classified as a Variant of Uncertain Significance.